The following is an entry in ClinVar:

NM_000287.4(PEX6):c.1774G>A (p.Glu592Lys)

Gene: PEX6 (peroxisomal biogenesis factor 6; minus strand). Cytogenetic location: 6p21.1.
Variant type: single nucleotide variant.
Coding change: c.1774G>A on transcript NM_000287.4 (MANE Select); coding-DNA position 1774, G replaced by A.
Protein change: p.Glu592Lys; replaces glutamic acid 592 with lysine.
Molecular consequence: missense variant. On other transcripts: non-coding transcript variant (1).
Genome position (GRCh38, 1-based): chr6:42,967,478, C>T on the plus strand (G>A on the coding strand, the complement: PEX6 is on the minus strand). VCF-style: chr6-42967478-C-T. GRCh37 (hg19) VCF-style: chr6-42935216-C-T.
Other names: c.1510G>A, p.Glu504Lys (NM_001316313.2); short protein forms E592K, E504K.
Identifiers: ClinVar variation 499214 (VCV000499214.22), dbSNP rs375288192, ClinGen allele CA3811221.

ClinVar aggregate classification (germline): Conflicting classifications of pathogenicity. Review status: criteria provided, conflicting classifications (1 of 4 stars). 7 submissions from 7 submitters: Uncertain significance (3); Likely benign (3). 1 of the submissions does not count toward it. Last evaluated 2026-01-21.

Conditions:
Peroxisome biogenesis disorder. Identifiers: Orphanet 79189, MedGen C1832200, MONDO:0019234. Disease mechanism: loss of function.
PEX6-related disorder. Also called: PEX6-related condition; PEX6-related disorders.
Heimler syndrome 2 (HMLR2). Also called: PEROXISOME BIOGENESIS DISORDER 4C. Identifiers: Orphanet 3220, MedGen C4225267, OMIM 616617, MONDO:0014709.
Peroxisome biogenesis disorder 4A (Zellweger) (PBD4A). Also called: Zellweger syndrome spectrum (PEX6-related). Identifiers: Orphanet 912, MedGen C3553936, MONDO:0013930, OMIM 614862. Disease mechanism: loss of function.
Peroxisome biogenesis disorder 4B (PBD4B). Also called: SPINOCEREBELLAR ATAXIA WITH BLINDNESS AND DEAFNESS 1. Identifiers: Orphanet 44, Orphanet 95433, MedGen C3553937, MONDO:0013931, OMIM 614863.
Inborn genetic diseases. Identifiers: MedGen C0950123, MeSH D030342.

Allele frequency attached by ClinVar (database versions not stated): ESP Exome Variant Server 0.00015; TOPMed 0.00015.
gnomAD v4.1: 452 of 1,611,040 alleles (0.028%); highest among the groups gnomAD compares: Admixed American, 0.045%; no homozygotes.

Submissions (7):

Labcorp Genetics (formerly Invitae), Labcorp
Classification: Likely benign for Peroxisome biogenesis disorder. Last evaluated: 2026-01-21. Review status: criteria provided, single submitter. Criteria: Invitae Variant Classification Sherloc (09022015). Collection method: clinical testing. Allele origin: germline.

Blueprint Genetics
Classification: Likely benign. Last evaluated: 2024-09-19. Review status: criteria provided, single submitter. Criteria: ACMG Guidelines, 2015. Collection method: clinical testing. Allele origin: germline.

GeneDx
Classification: Uncertain significance. Last evaluated: 2024-06-30. Review status: criteria provided, single submitter. Criteria: GeneDx Variant Classification Process June 2021. Collection method: clinical testing. Allele origin: germline. Affected: yes.
Comment: In silico analysis indicates that this missense variant does not alter protein structure/function; Has not been previously published as pathogenic or benign to our knowledge

Fulgent Genetics
Classification: Uncertain significance for Peroxisome biogenesis disorder 4A (Zellweger); Peroxisome biogenesis disorder 4B; Heimler syndrome 2. Last evaluated: 2024-02-06. Review status: criteria provided, single submitter. Criteria: ACMG Guidelines, 2015. Collection method: clinical testing. Allele origin: germline.

Ambry Genetics
Classification: Likely benign for Inborn genetic diseases. Last evaluated: 2022-01-05. Review status: criteria provided, single submitter. Criteria: Ambry Variant Classification Scheme 2023. Collection method: clinical testing. Allele origin: germline.

Eurofins Ntd Llc (ga)
Classification: Uncertain significance. Last evaluated: 2016-12-09. Review status: criteria provided, single submitter. Criteria: EGL Classification Definitions 2015. Collection method: clinical testing. Allele origin: germline. Observed: 1 variant allele, 1 heterozygote.

PreventionGenetics, part of Exact Sciences
Classification: Likely benign for PEX6-related condition. Last evaluated: 2023-06-29. Review status: no assertion criteria provided. Collection method: clinical testing. Allele origin: germline. Not counted in ClinVar's aggregate classification.
Comment: This variant is classified as likely benign based on ACMG/AMP sequence variant interpretation guidelines (Richards et al. 2015 PMID: 25741868, with internal and published modifications).